The following is an entry in ClinVar:

ClinVar aggregate classification (germline): Likely pathogenic (1 of 4 stars; one submission).

Conditions:
Amyotrophic lateral sclerosis type 5 (ALS5). Also called: AMYOTROPHIC LATERAL SCLEROSIS 5, JUVENILE. Identifiers: Orphanet 300605, MedGen C1865864, MONDO:0011196, OMIM 602099.

Submission:

Kariminejad - Najmabadi Pathology & Genetics Center
Classification: Likely pathogenic for Amyotrophic lateral sclerosis type 5. Last evaluated: 2024-01-14. Review status: criteria provided, single submitter. Criteria: ACMG Guidelines, 2015. Collection method: clinical testing. Allele origin: germline. Inheritance: Autosomal recessive inheritance. Affected: yes.
Comment: PVS1, PM2

NM_025137.4(SPG11):c.3743_3744insCTACC (p.Ser1249fs)

Gene: SPG11 (SPG11 vesicle trafficking associated, spatacsin; minus strand). Cytogenetic location: 15q21.1.
Variant type: Insertion.
Coding change: c.3743_3744insCTACC on transcript NM_025137.4 (MANE Select); coding-DNA positions 3743 to 3744, CTACC inserted.
Protein change: p.Ser1249fs; shifts the reading frame from serine 1249.
Molecular consequence: frameshift variant.
Genome position: GRCh38 VCF-style: chr15-44598779-A-AGGTAG. GRCh37 (hg19) VCF-style: chr15-44890977-A-AGGTAG.
Other names: c.3743_3744insCTACC, p.Ser1249fs (NM_001160227.2, NM_001411132.1); short protein forms S1249fs.
Identifiers: ClinVar variation 3897020 (VCV003897020.1).